The following is an entry in ClinVar:

NM_007294.4(BRCA1):c.2963C>A (p.Ser988Ter)

Gene: BRCA1 (BRCA1 DNA repair associated; minus strand). Cytogenetic location: 17q21.31.
Variant type: single nucleotide variant.
Coding change: c.2963C>A on transcript NM_007294.4 (MANE Select); coding-DNA position 2963, C replaced by A.
Protein change: p.Ser988Ter; replaces serine 988 with a stop codon.
Molecular consequence: nonsense. On other transcripts: intron variant (137).
Genome position (GRCh38, 1-based): chr17:43,092,568, G>T on the plus strand (C>A on the coding strand, the complement: BRCA1 is on the minus strand). VCF-style: chr17-43092568-G-T. GRCh37 (hg19) VCF-style: chr17-41244585-G-T.
Other names: 3082C>A; c.2822C>A, p.Ser941Ter (NM_001407726.1, NM_001407727.1, NM_001407728.1 and 29 more transcripts); c.2819C>A, p.Ser940Ter (NM_001407740.1, NM_001407741.1, NM_001407742.1 and 20 more transcripts); c.2750C>A, p.Ser917Ter (NM_001407853.1, NM_001407894.1, NM_001407895.1 and 9 more transcripts); c.2963C>A, p.Ser988Ter (NM_001407854.1, NM_001407858.1, NM_001407859.1 and 30 more transcripts); c.2960C>A, p.Ser987Ter (NM_001407860.1, NM_001407861.1, NM_001407587.1 and 22 more transcripts); c.2762C>A, p.Ser921Ter (NM_001407862.1); c.2840C>A, p.Ser947Ter (NM_001407863.1, NM_001407919.1, NM_001407937.1 and 19 more transcripts); and 42 more; short protein forms S988*, S941*, S876*, S899*, S900*, S961*, S692*, S860*.
Identifiers: ClinVar variation 54732 (VCV000054732.15), dbSNP rs397507206, ClinGen allele CA001927.
Genomic context (GRCh38, chr17:43,092,568, plus strand): 5'-ATTGAATGTTCCTCAAAGTTTTCCTCTAGCAGATTTTTCTTACATTTAGTTTTAACAAAT[G>T]ACTTGATGGGAAAAAGTGGTGGTATACGATATGGGTTTTGTAAAAGTCCATGTTTATTTG-3'

ClinVar aggregate classification (germline): Pathogenic. Review status: reviewed by expert panel (3 of 4 stars). 5 submissions from 5 submitters: Pathogenic (1). 4 of the submissions do not count toward it. Last evaluated 2016-04-22.

Conditions:
Hereditary cancer-predisposing syndrome. Also called: Tumor predisposition; Neoplastic Syndromes, Hereditary; Hereditary Cancer Syndrome; Hereditary neoplastic syndrome. Identifiers: Orphanet 140162, MedGen C0027672, MeSH D009386, MONDO:0015356.
Hereditary breast ovarian cancer syndrome. Also called: Hereditary breast and ovarian cancer syndrome (HBOC); Hereditary breast and ovarian cancer syndrome; Hereditary breast and ovarian cancer; Hereditary breast and/or ovarian cancer syndrome; Breast and ovarian cancer; BRCA1- and BRCA2-Associated Hereditary Breast and Ovarian Cancer. Identifiers: Orphanet 145, MedGen C0677776, MeSH D061325, MONDO:0003582. Disease mechanism: loss of function.
Breast-ovarian cancer, familial, susceptibility to, 1 (BROVCA1). Also called: OVARIAN CANCER, SUSCEPTIBILITY TO; BRCA1 Hereditary Breast and Ovarian Cancer. Identifiers: Orphanet 145, MedGen C2676676, MONDO:0011450, OMIM 604370. Disease mechanism: loss of function.

Submissions (5):

Evidence-based Network for the Interpretation of Germline Mutant Alleles (ENIGMA)
Classification: Pathogenic for Breast-ovarian cancer, familial, susceptibility to, 1. Last evaluated: 2016-04-22. Review status: reviewed by expert panel. Criteria: ENIGMA BRCA1/2 Classification Criteria (2015). Collection method: curation. Allele origin: germline.
Comment: Variant allele predicted to encode a truncated non-functional protein.

Labcorp Genetics (formerly Invitae), Labcorp
Classification: Pathogenic for Hereditary breast ovarian cancer syndrome. Last evaluated: 2025-06-19. Review status: criteria provided, single submitter. Criteria: Invitae Variant Classification Sherloc (09022015). Collection method: clinical testing. Allele origin: germline. Not counted in ClinVar's aggregate classification.
Comment: This sequence change creates a premature translational stop signal (p.Ser988*) in the BRCA1 gene. It is expected to result in an absent or disrupted protein product. Loss-of-function variants in BRCA1 are known to be pathogenic (PMID: 20104584). This variant is not present in population databases (gnomAD no frequency). This premature translational stop signal has been observed in individual(s) with breast cancer (PMID: 12601471, 29446198). ClinVar contains an entry for this variant (Variation ID: 54732). For these reasons, this variant has been classified as Pathogenic.

Ambry Genetics
Classification: Pathogenic for Hereditary cancer-predisposing syndrome. Last evaluated: 2020-08-18. Review status: criteria provided, single submitter. Criteria: Ambry Variant Classification Scheme 2023. Collection method: clinical testing. Allele origin: germline. Not counted in ClinVar's aggregate classification.
Comment: The p.S988* pathogenic mutation (also known as c.2963C>A), located in coding exon 9 of the BRCA1 gene, results from a C to A substitution at nucleotide position 2963. This changes the amino acid from a serine to a stop codon within coding exon 9. This mutation has been reported in multiple families with breast and/or ovarian cancer (Scott, CL et al. Hum Genet. 2003 May;112(5-6):542-51; Konstantopoulou, I et al. Clin Genet. 2014 Jan;85(1):36-42; Rebbeck TR et al. Hum. Mutat., 2018 05;39:593-620). In addition to the clinical data presented in the literature, this alteration is expected to result in loss of function by premature protein truncation or nonsense-mediated mRNA decay. As such, this alteration is interpreted as a disease-causing mutation.

GeneDx
Classification: Pathogenic. Last evaluated: 2016-08-09. Review status: criteria provided, single submitter. Criteria: GeneDx Variant Classification (06012015). Collection method: clinical testing. Allele origin: germline. Affected: yes. Not counted in ClinVar's aggregate classification.
Comment: This pathogenic variant is denoted BRCA1 c.2963C>A at the cDNA level and p.Ser988Ter (S988X) at the protein level. The substitution creates a nonsense variant, which changes a Serine to a premature stop codon (TCA>TAA), and is predicted to cause loss of normal protein function through either protein truncation or nonsense-mediated mRNA decay. This variant, previously published as 3082C>A using alternate nomenclature, has been observed in association with breast and ovarian cancer (Scott 2003, Alsop 2012, Konstantopoulou 2014). Based on the current evidence, we consider this variant to be pathogenic.

Consortium of Investigators of Modifiers of BRCA1/2 (CIMBA), c/o University of Cambridge
Classification: Pathogenic for Breast-ovarian cancer, familial, susceptibility to, 1. Last evaluated: 2015-10-02. Review status: criteria provided, single submitter. Criteria: CIMBA Mutation Classification guidelines May 2016. Collection method: clinical testing. Allele origin: germline. Not counted in ClinVar's aggregate classification.

Literature cited by the submitters: PubMed 20104584 (cited by Labcorp Genetics (formerly Invitae), Labcorp); PubMed 12601471 (cited by Labcorp Genetics (formerly Invitae), Labcorp); PubMed 29446198 (cited by Labcorp Genetics (formerly Invitae), Labcorp and Ambry Genetics); PubMed 22434525 (cited by Ambry Genetics); PubMed 31300551 (cited by Ambry Genetics).